The following is an entry in ClinVar:

NM_001440.4(EXTL3):c.565C>A (p.Pro189Thr)

Gene: EXTL3 (exostosin like glycosyltransferase 3; plus strand). Cytogenetic location: 8p21.1.
Variant type: single nucleotide variant.
Coding change: c.565C>A on transcript NM_001440.4 (MANE Select); coding-DNA position 565, C replaced by A.
Protein change: p.Pro189Thr; replaces proline 189 with threonine.
Molecular consequence: missense variant.
Genome position (GRCh38, 1-based): chr8:28,716,624, C>A. VCF-style: chr8-28716624-C-A. GRCh37 (hg19) VCF-style: chr8-28574141-C-A.
Other names: short protein forms P189T.
Identifiers: ClinVar variation 1354322 (VCV001354322.6), dbSNP rs2130736964, ClinGen allele CA370856580.

ClinVar aggregate classification (germline): Uncertain significance (1 of 4 stars; one submission).

Submission:

Labcorp Genetics (formerly Invitae), Labcorp
Classification: Uncertain significance. Last evaluated: 2022-10-17. Review status: criteria provided, single submitter. Criteria: Invitae Variant Classification Sherloc (09022015). Collection method: clinical testing. Allele origin: germline.
Comment: In summary, the available evidence is currently insufficient to determine the role of this variant in disease. Therefore, it has been classified as a Variant of Uncertain Significance. Advanced modeling of protein sequence and biophysical properties (such as structural, functional, and spatial information, amino acid conservation, physicochemical variation, residue mobility, and thermodynamic stability) performed at Invitae indicates that this missense variant is not expected to disrupt EXTL3 protein function. ClinVar contains an entry for this variant (Variation ID: 1354322). This variant has not been reported in the literature in individuals affected with EXTL3-related conditions. This variant is not present in population databases (gnomAD no frequency). This sequence change replaces proline, which is neutral and non-polar, with threonine, which is neutral and polar, at codon 189 of the EXTL3 protein (p.Pro189Thr).